The following is an entry in ClinVar:

ClinVar aggregate classification (germline): Uncertain significance. Review status: criteria provided, multiple submitters, no conflicts (2 of 4 stars). 2 submissions from 2 submitters: Uncertain significance (2). Last evaluated 2025-02-27.

Conditions:
Inborn genetic diseases. Identifiers: MedGen C0950123, MeSH D030342.

Allele frequency attached by ClinVar (database versions not stated): gnomAD exomes below 0.00001; TOPMed below 0.00001; ExAC 0.00001; gnomAD 0.00001.
gnomAD v4.1: 6 of 1,613,934 alleles (0.00037%); highest among the groups gnomAD compares: Middle Eastern, 0.033%; no homozygotes.

Submissions (2):

Ambry Genetics
Classification: Uncertain significance for Inborn genetic diseases. Last evaluated: 2025-02-27. Review status: criteria provided, single submitter. Criteria: Ambry Variant Classification Scheme 2023. Collection method: clinical testing. Allele origin: germline.

Labcorp Genetics (formerly Invitae), Labcorp
Classification: Uncertain significance. Last evaluated: 2024-10-16. Review status: criteria provided, single submitter. Criteria: Invitae Variant Classification Sherloc (09022015). Collection method: clinical testing. Allele origin: germline.
Comment: This sequence change replaces glutamine, which is neutral and polar, with arginine, which is basic and polar, at codon 382 of the IFT81 protein (p.Gln382Arg). This variant is present in population databases (rs779479537, gnomAD no frequency). This variant has not been reported in the literature in individuals affected with IFT81-related conditions. ClinVar contains an entry for this variant (Variation ID: 1349097). Invitae Evidence Modeling of protein sequence and biophysical properties (such as structural, functional, and spatial information, amino acid conservation, physicochemical variation, residue mobility, and thermodynamic stability) indicates that this missense variant is not expected to disrupt IFT81 protein function with a negative predictive value of 80%. In summary, the available evidence is currently insufficient to determine the role of this variant in disease. Therefore, it has been classified as a Variant of Uncertain Significance.

NM_014055.4(IFT81):c.1145A>G (p.Gln382Arg)

Gene: IFT81 (intraflagellar transport 81; plus strand). Cytogenetic location: 12q24.11.
Variant type: single nucleotide variant.
Coding change: c.1145A>G on transcript NM_014055.4 (MANE Select); coding-DNA position 1145, A replaced by G.
Protein change: p.Gln382Arg; replaces glutamine 382 with arginine.
Molecular consequence: missense variant. On other transcripts: non-coding transcript variant (4).
Genome position (GRCh38, 1-based): chr12:110,163,022, A>G. VCF-style: chr12-110163022-A-G. GRCh37 (hg19) VCF-style: chr12-110600827-A-G.
Other names: c.1145A>G (NM_014055.3); c.1145A>G, p.Gln382Arg (NM_001143779.2, NM_001347946.2, NM_031473.4); c.215A>G, p.Gln72Arg (NM_001347947.2, NM_001347948.2); short protein forms Q72R, Q382R.
Identifiers: ClinVar variation 1349097 (VCV001349097.7), dbSNP rs779479537, ClinGen allele CA6783274.
Genomic context (GRCh38, chr12:110,163,022, plus strand): 5'-TTCAGGAGGCCAAGGAGAAGTTAGCCAGCCTAGAGAGAGAAGCATCAGTAAAGAGAAATC[A>G]GACCCGTGAATTTGATGGTACTGAAGTTTTAAAGGGAGATGAGGTAAGCTGAGCCATCTC-3'
Protein context (NP_054774.2, residues 372-392): LEREASVKRN[Gln382Arg]TREFDGTEVL